The following is an entry in ClinVar:

NM_000252.3(MTM1):c.136+1G>C

Gene: MTM1 (myotubularin 1; plus strand). Cytogenetic location: Xq28.
Variant type: single nucleotide variant.
Coding change: c.136+1G>C on transcript NM_000252.3 (MANE Select); the canonical splice donor site of the intron after coding-DNA position 136, G replaced by C.
Molecular consequence: splice donor variant.
Genome position (GRCh38, 1-based): chrX:150,596,571, G>C. VCF-style: chrX-150596571-G-C. GRCh37 (hg19) VCF-style: chrX-149765035-G-C.
Other names: c.136+1G>C (NM_001376908.1, NM_001376906.1, NM_001376907.1).
Identifiers: ClinVar variation 4687054 (VCV004687054.2).

ClinVar aggregate classification (germline): Pathogenic. Review status: criteria provided, multiple submitters, no conflicts (2 of 4 stars). 2 submissions from 2 submitters: Pathogenic (2). Last evaluated 2025-10-02.

Conditions:
Severe X-linked myotubular myopathy (CNMX). Also called: MYOTUBULAR MYOPATHY 1; X-linked centronuclear myopathy; Myotubular myopathy, X-linked. Identifiers: Orphanet 596, MedGen C0410203, MONDO:0010683, OMIM 310400.

Submissions (2):

Labcorp Genetics (formerly Invitae), Labcorp
Classification: Pathogenic for Severe X-linked myotubular myopathy. Last evaluated: 2025-10-02. Review status: criteria provided, single submitter. Criteria: Invitae Variant Classification Sherloc (09022015). Collection method: clinical testing. Allele origin: germline.
Comment: This sequence change affects a donor splice site in intron 3 of the MTM1 gene. It is expected to disrupt RNA splicing. Variants that disrupt the donor or acceptor splice site typically lead to a loss of protein function (PMID: 16199547), and loss-of-function variants in MTM1 are known to be pathogenic (PMID: 9305655, 10063835). This variant is not present in population databases (gnomAD no frequency). Disruption of this splice site has been observed in individuals with myotubular myopathy (PMID: 10502779, 12522554). Algorithms developed to predict the effect of sequence changes on RNA splicing suggest that this variant may disrupt the consensus splice site. For these reasons, this variant has been classified as Pathogenic.

GeneDx
Classification: Pathogenic. Last evaluated: 2025-07-21. Review status: criteria provided, single submitter. Criteria: GeneDx Variant Classification Process June 2021. Collection method: clinical testing. Allele origin: germline. Affected: yes.
Comment: Canonical splice site variant predicted to result in a null allele in a gene for which loss of function is a known mechanism of disease; Not observed at significant frequency in large population cohorts (gnomAD); This variant is associated with the following publications: (PMID: 25525159, 12522554)

Literature cited by the submitters: PubMed 16199547 (cited by Labcorp Genetics (formerly Invitae), Labcorp); PubMed 9305655 (cited by Labcorp Genetics (formerly Invitae), Labcorp); PubMed 10063835 (cited by Labcorp Genetics (formerly Invitae), Labcorp); PubMed 10502779 (cited by Labcorp Genetics (formerly Invitae), Labcorp); PubMed 12522554 (cited by Labcorp Genetics (formerly Invitae), Labcorp).